The following is an entry in ClinVar:

NM_181303.2(NLGN3):c.601C>A (p.Pro201Thr)

Gene: NLGN3 (neuroligin 3; plus strand). Cytogenetic location: Xq13.1.
Variant type: single nucleotide variant.
Coding change: c.601C>A on transcript NM_181303.2 (MANE Select); coding-DNA position 601, C replaced by A.
Protein change: p.Pro201Thr; replaces proline 201 with threonine.
Molecular consequence: missense variant.
Genome position (GRCh38, 1-based): chrX:71,155,237, C>A. VCF-style: chrX-71155237-C-A. GRCh37 (hg19) VCF-style: chrX-70375087-C-A.
Other names: c.481C>A, p.Pro161Thr (NM_001166660.2); c.190C>A, p.Pro64Thr (NM_001321276.2, NM_001438298.1); c.250C>A, p.Pro84Thr (NM_001437941.1, NM_001438296.1); c.541C>A, p.Pro181Thr (NM_018977.4); short protein forms P161T, P181T, P201T, P64T, P84T.
Identifiers: ClinVar variation 4539938 (VCV004539938.1).
Genomic context (GRCh38, chrX:71,155,237, plus strand): 5'-TCCCACCCAGCCTGTGTCTCACCCCTTCTCCTTGCAGACATCCGGGACAGTGGTGCTAAA[C>A]CCGTCATGGTCTACATCCACGGAGGCTCTTACATGGAAGGGACAGGCAACATGATTGATG-3'
Protein context (NP_851820.1, residues 191-211): DEDIRDSGAK[Pro201Thr]VMVYIHGGSY

ClinVar aggregate classification (germline): Uncertain significance (1 of 4 stars; one submission).

Submission:

GeneDx
Classification: Uncertain significance. Last evaluated: 2025-06-29. Review status: criteria provided, single submitter. Criteria: GeneDx Variant Classification Process June 2021. Collection method: clinical testing. Allele origin: germline. Affected: yes.
Comment: Not observed at significant frequency in large population cohorts (gnomAD); In silico analysis supports that this missense variant has a deleterious effect on protein structure/function; Has not been previously published as pathogenic or benign to our knowledge